The following is an entry in ClinVar:

NM_005559.4(LAMA1):c.6490-1dup

Gene: LAMA1 (laminin subunit alpha 1; minus strand). Cytogenetic location: 18p11.31.
Variant type: Duplication.
Coding change: c.6490-1dup on transcript NM_005559.4 (MANE Select); the canonical splice acceptor site of the intron before coding-DNA position 6490, one base duplicated (G; older notation c.6490-1dupG).
Molecular consequence: splice acceptor variant.
Genome position (GRCh38, 1-based): chr18:6,975,037, C duplicated on the plus strand (G on the coding strand, the reverse complement: LAMA1 is on the minus strand). VCF-style (leftmost placement, unchanged base first): chr18-6975036-A-AC. GRCh37 (hg19) VCF-style: chr18-6975035-A-AC.
Identifiers: ClinVar variation 1691161 (VCV001691161.2), dbSNP rs2144035234, ClinGen allele CA2573155093.
Genomic context (GRCh38, chr18:6,975,036, plus strand): 5'-AGCCCAGGTCCCACAGGAAGGCCACTCTCCCTCGCCGCATCTCCACTGCAAGGAAATCAG[A>AC]CTGGGGGGCGAGGAATGAACGGGGATCAGTTTACACACTGGACTGTTTGCTGACCACCAC-3'

ClinVar aggregate classification (germline): Likely pathogenic (1 of 4 stars; one submission).

Allele frequency attached by ClinVar (database versions not stated): gnomAD exomes 0.00001.

Submission:

GeneDx
Classification: Likely pathogenic. Last evaluated: 2022-06-01. Review status: criteria provided, single submitter. Criteria: GeneDx Variant Classification Process June 2021. Collection method: clinical testing. Allele origin: germline. Affected: yes.
Comment: Canonical splice site variant predicted to result in a null allele in a gene for which loss-of-function is a known mechanism of disease; Not observed at significant frequency in large population cohorts (gnomAD); Has not been previously published as pathogenic or benign to our knowledge